The following is an entry in ClinVar:

NC_000019.10:g.(?_1219314)_(1222016_?)del

Genes: STK11 (serine/threonine kinase 11; plus strand), LOC110006318 (serine/threonine kinase 11 intron 3 Alu-mediated recombination region; plus strand). Cytogenetic location: 19p13.3.
Variant type: Deletion.
Identifiers: ClinVar variation 644282 (VCV000644282.7).

ClinVar aggregate classification (germline): Pathogenic (1 of 4 stars; one submission).

Conditions:
Peutz-Jeghers syndrome (PJS). Also called: POLYPOSIS, HAMARTOMATOUS INTESTINAL; POLYPS-AND-SPOTS SYNDROME; Peutz-Jeghers polyposis; Periorificial lentiginosis syndrome. Identifiers: Orphanet 2869, MedGen C0031269, MeSH D010580, MONDO:0008280, OMIM 175200.

Submission:

Labcorp Genetics (formerly Invitae), Labcorp
Classification: Pathogenic for Peutz-Jeghers syndrome. Last evaluated: 2018-08-22. Review status: criteria provided, single submitter. Criteria: Invitae Variant Classification Sherloc (09022015). Collection method: clinical testing. Allele origin: germline.
Comment: For these reasons, this variant has been classified as Pathogenic. Experimental studies and prediction algorithms are not available for this variant. However, this variant is expected to delete part of¬†the¬†catalytic kinase domain of the STK11 protein, which is important for proper protein function (PMID:¬†19629071, 9837816). This variant has not been reported in the literature in individuals with STK11-related disease. This variant is an in-frame deletion of the genomic region encompassing exons 3-7 of the STK11 gene. It preserves the integrity of the reading frame. Sub-genic, in-frame deletions of exon 3 and exons 4-5 have been observed in individuals affected with¬†Peutz-Jeghers syndrome¬†(PMID: 16287113,¬†27821076, 24652667). Therefore, deletions that fully encompass these regions are also expected to be causative of disease.

Literature cited by the submitters: PubMed 16287113.